The following is an entry in ClinVar:

NM_031433.4(MFRP):c.956A>C (p.Gln319Pro)

Genes: C1QTNF5 (C1q and TNF related 5; minus strand), MFRP (membrane frizzled-related protein; minus strand). Cytogenetic location: 11q23.3.
Variant type: single nucleotide variant.
Coding change: c.956A>C on transcript NM_031433.4 (MANE Select); coding-DNA position 956, A replaced by C.
Protein change: p.Gln319Pro; replaces glutamine 319 with proline.
Molecular consequence: missense variant. On other transcripts: 5 prime UTR variant (1).
Genome position (GRCh38, 1-based): chr11:119,344,334, T>G on the plus strand (A>C on the coding strand, the complement: MFRP is on the minus strand). VCF-style: chr11-119344334-T-G. GRCh37 (hg19) VCF-style: chr11-119215044-T-G.
Other names: c.-1681A>C (NM_015645.5); short protein forms Q319P.
Identifiers: ClinVar variation 2167463 (VCV002167463.4), dbSNP rs372960644, ClinGen allele CA6320318.

ClinVar aggregate classification (germline): Uncertain significance. Review status: criteria provided, multiple submitters, no conflicts (2 of 4 stars). 2 submissions from 2 submitters: Uncertain significance (2). Last evaluated 2023-12-21.

Conditions:
Isolated microphthalmia 5. Also called: Posterior Microphthalmia with Retinitis Pigmentosa, Foveoschisis, and Optic Disc Drusen. Identifiers: Orphanet 251279, MedGen C1970236, MONDO:0012605, OMIM 611040.
Inborn genetic diseases. Identifiers: MedGen C0950123, MeSH D030342.

Allele frequency attached by ClinVar (database versions not stated): gnomAD 0.00001; TOPMed 0.00003; ESP Exome Variant Server 0.00008; ExAC 0.00001; gnomAD exomes 0.00001.
gnomAD v4.1: 8 of 1,613,928 alleles (0.0005%); highest among the groups gnomAD compares: Admixed American, 0.012%; no homozygotes.

Submissions (2):

Ambry Genetics
Classification: Uncertain significance for Inborn genetic diseases. Last evaluated: 2023-12-21. Review status: criteria provided, single submitter. Criteria: Ambry Variant Classification Scheme 2023. Collection method: clinical testing. Allele origin: germline.

Labcorp Genetics (formerly Invitae), Labcorp
Classification: Uncertain significance for Isolated microphthalmia 5. Last evaluated: 2022-03-19. Review status: criteria provided, single submitter. Criteria: Invitae Variant Classification Sherloc (09022015). Collection method: clinical testing. Allele origin: germline.
Comment: This variant has not been reported in the literature in individuals affected with MFRP-related conditions. This variant is present in population databases (rs372960644, gnomAD 0.006%). This sequence change replaces glutamine, which is neutral and polar, with proline, which is neutral and non-polar, at codon 319 of the MFRP protein (p.Gln319Pro). Algorithms developed to predict the effect of missense changes on protein structure and function are either unavailable or do not agree on the potential impact of this missense change (SIFT: "Tolerated"; PolyPhen-2: "Probably Damaging"; Align-GVGD: "Class C0"). In summary, the available evidence is currently insufficient to determine the role of this variant in disease. Therefore, it has been classified as a Variant of Uncertain Significance.